The following is an entry in ClinVar:

NM_000702.4(ATP1A2):c.311T>C (p.Ile104Thr)

Gene: ATP1A2 (ATPase Na+/K+ transporting subunit alpha 2; plus strand). Cytogenetic location: 1q23.2.
Variant type: single nucleotide variant.
Coding change: c.311T>C on transcript NM_000702.4 (MANE Select); coding-DNA position 311, T replaced by C.
Protein change: p.Ile104Thr; replaces isoleucine 104 with threonine.
Molecular consequence: missense variant.
Genome position (GRCh38, 1-based): chr1:160,123,346, T>C. VCF-style: chr1-160123346-T-C. GRCh37 (hg19) VCF-style: chr1-160093136-T-C.
Other names: short protein forms I104T.
Identifiers: ClinVar variation 1062809 (VCV001062809.12), dbSNP rs760901258, ClinGen allele CA1194153.
Genomic context (GRCh38, chr1:160,123,346, plus strand): 5'-CCCCTGAGTGGGTCAAGTTCTGCCGTCAGCTTTTCGGGGGGTTCTCCATCCTGCTGTGGA[T>C]TGGGGCTATCCTCTGCTTCCTGGCCTACGGCATCCAGGCTGCCATGGAGGATGAACCATC-3'
Protein context (NP_000693.1, residues 94-114): LFGGFSILLW[Ile104Thr]GAILCFLAYG

ClinVar aggregate classification (germline): Uncertain significance. Review status: criteria provided, multiple submitters, no conflicts (2 of 4 stars). 2 submissions from 2 submitters: Uncertain significance (2). Last evaluated 2026-01-16.

Conditions:
Familial hemiplegic migraine. Identifiers: MedGen C0338484, MONDO:0000700.

Allele frequency attached by ClinVar (database versions not stated): gnomAD 0.00001; ExAC 0.00002; gnomAD exomes 0.00002; TOPMed 0.00002.
gnomAD v4.1: 25 of 1,614,070 alleles (0.0015%); highest among the groups gnomAD compares: Non-Finnish European, 0.0021%; no homozygotes.

Submissions (2):

Labcorp Genetics (formerly Invitae), Labcorp
Classification: Uncertain significance for Familial hemiplegic migraine. Last evaluated: 2026-01-16. Review status: criteria provided, single submitter. Criteria: Invitae Variant Classification Sherloc (09022015). Collection method: clinical testing. Allele origin: germline.
Comment: This sequence change replaces isoleucine, which is neutral and non-polar, with threonine, which is neutral and polar, at codon 104 of the ATP1A2 protein (p.Ile104Thr). This variant is present in population databases (rs760901258, gnomAD 0.004%). This variant has not been reported in the literature in individuals affected with ATP1A2-related conditions. ClinVar contains an entry for this variant (Variation ID: 1062809). Invitae Evidence Modeling of protein sequence and biophysical properties (such as structural, functional, and spatial information, amino acid conservation, physicochemical variation, residue mobility, and thermodynamic stability) indicates that this missense variant is not expected to disrupt ATP1A2 protein function with a negative predictive value of 80%. In summary, the available evidence is currently insufficient to determine the role of this variant in disease. Therefore, it has been classified as a Variant of Uncertain Significance.

GeneDx
Classification: Uncertain significance. Last evaluated: 2025-11-20. Review status: criteria provided, single submitter. Criteria: GeneDx Variant Classification Process June 2021. Collection method: clinical testing. Allele origin: germline. Affected: yes.
Comment: Not observed at significant frequency in large population cohorts (gnomAD); In silico analysis suggests that this missense variant does not alter protein structure/function; Has not been previously published as pathogenic or benign to our knowledge